The following is an entry in ClinVar:

ClinVar aggregate classification (germline): Pathogenic (1 of 4 stars; one submission).

Submission:

Labcorp Genetics (formerly Invitae), Labcorp
Classification: Pathogenic. Last evaluated: 2024-01-05. Review status: criteria provided, single submitter. Criteria: Invitae Variant Classification Sherloc (09022015). Collection method: clinical testing. Allele origin: germline.
Comment: This sequence change creates a premature translational stop signal (p.Asn73Ilefs*6) in the SERPING1 gene. It is expected to result in an absent or disrupted protein product. Loss-of-function variants in SERPING1 are known to be pathogenic (PMID: 11112899, 24456027). This variant is not present in population databases (gnomAD no frequency). This premature translational stop signal has been observed in individual(s) with angioedema (PMID: 29753808). For these reasons, this variant has been classified as Pathogenic.

Literature cited by the submitters: PubMed 11112899; PubMed 24456027; PubMed 29753808.

NM_000062.3(SERPING1):c.218del (p.Asn73fs)

Gene: SERPING1 (serpin family G member 1; plus strand). Cytogenetic location: 11q12.1.
Variant type: Deletion.
Coding change: c.218del on transcript NM_000062.3 (MANE Select); coding-DNA position 218, one base deleted (A; older notation c.218delA).
Protein change: p.Asn73fs; shifts the reading frame from asparagine 73.
Molecular consequence: frameshift variant.
Genome position (GRCh38, 1-based): chr11:57,600,045, A deleted; the last of 2 consecutive A bases (chr11:57,600,044-57,600,045); deleting either gives the same sequence. VCF-style (leftmost placement, unchanged base first): chr11-57600043-CA-C. GRCh37 (hg19) VCF-style: chr11-57367516-CA-C.
Other names: c.218del, p.Asn73fs (NM_001032295.2); short protein forms N73fs.
Identifiers: ClinVar variation 2910261 (VCV002910261.3), dbSNP rs2495425553, ClinGen allele CA2695214058.